The following is an entry in ClinVar:

NM_001278116.2(L1CAM):c.31CTC[2] (p.Leu13del)

Gene: L1CAM (L1 cell adhesion molecule; minus strand). Cytogenetic location: Xq28.
Variant type: Microsatellite.
Coding change: c.31CTC[2] on transcript NM_001278116.2 (MANE Select); two copies in a row of the 3-base unit CTC starting at c.31; the reference has three copies in a row; one copy, 3 bases deleted.
Protein change: p.Leu13del; deletes leucine 13.
Molecular consequence: inframe deletion.
Genome position (GRCh38, 1-based): chrX:153,875,798-153,875,800, GAG deleted on the plus strand (CTC on the coding strand, the reverse complement: L1CAM is on the minus strand); deleting any 3 consecutive bases within chrX:153,875,798-153,875,806 gives the same sequence; the position shown is the placement nearest the transcript's 3' end. VCF-style (leftmost placement, unchanged base first): chrX-153875797-AGAG-A. GRCh37 (hg19) VCF-style: chrX-153141252-AGAG-A.
Other names: c.31CTC[2], p.Leu13del (NM_000425.5, NM_001143963.2, NM_024003.3); short protein forms L13del.
Identifiers: ClinVar variation 943523 (VCV000943523.11), dbSNP rs2064809071, ClinGen allele CA2466509167.
Genomic context (GRCh38, chrX:153,875,797, plus strand): 5'-CCCAGGCTCCCTTCAGCTACTCACATTCCTCGGGGATCTGGATAAGCAGGCAGGGGCTGC[AGAG>A]GAGGAGAGGCCACACGTACCGCAGCGCCACGACCATCTTTCCCGGCGGCACCGCGCAGCA-3'

ClinVar aggregate classification (germline): Uncertain significance. Review status: criteria provided, multiple submitters, no conflicts (2 of 4 stars). 2 submissions from 2 submitters: Uncertain significance (2). Last evaluated 2025-08-21.

Conditions:
Spastic paraplegia. Identifiers: MedGen C0037772, HP:0001258.

Submissions (2):

Labcorp Genetics (formerly Invitae), Labcorp
Classification: Uncertain significance for Spastic paraplegia. Last evaluated: 2025-08-21. Review status: criteria provided, single submitter. Criteria: Invitae Variant Classification Sherloc (09022015). Collection method: clinical testing. Allele origin: germline.
Comment: This variant, c.37_39del, results in the deletion of 1 amino acid(s) of the L1CAM protein (p.Leu13del), but otherwise preserves the integrity of the reading frame. This variant is not present in population databases (gnomAD no frequency). This variant has not been reported in the literature in individuals affected with L1CAM-related conditions. ClinVar contains an entry for this variant (Variation ID: 943523). Experimental studies and prediction algorithms are not available or were not evaluated, and the functional significance of this variant is currently unknown. In summary, the available evidence is currently insufficient to determine the role of this variant in disease. Therefore, it has been classified as a Variant of Uncertain Significance.

GeneDx
Classification: Uncertain significance. Last evaluated: 2019-10-03. Review status: criteria provided, single submitter. Criteria: GeneDx Variant Classification Process June 2021. Collection method: clinical testing. Allele origin: germline. Affected: yes.
Comment: Not observed in large population cohorts (Lek et al., 2016); In-frame deletion of 1 amino acids in a non-repeat region; In silico analysis, which includes protein predictors and evolutionary conservation, supports that this variant does not alter protein structure/function; Has not been previously published as pathogenic or benign to our knowledge